The following is an entry in ClinVar:

NM_000222.3(KIT):c.113C>T (p.Ser38Phe)

Gene: KIT (KIT proto-oncogene, receptor tyrosine kinase; plus strand). Cytogenetic location: 4q12.
Variant type: single nucleotide variant.
Coding change: c.113C>T on transcript NM_000222.3 (MANE Select); coding-DNA position 113, C replaced by T.
Protein change: p.Ser38Phe; replaces serine 38 with phenylalanine.
Molecular consequence: missense variant.
Genome position (GRCh38, 1-based): chr4:54,695,557, C>T. VCF-style: chr4-54695557-C-T. GRCh37 (hg19) VCF-style: chr4-55561723-C-T.
Other names: c.113C>T, p.Ser38Phe (NM_001093772.2, NM_001385284.1, NM_001385285.1 and 4 more transcripts); short protein forms S38F.
Identifiers: ClinVar variation 2078458 (VCV002078458.4), dbSNP rs2475440410, ClinGen allele CA356896869.
Genomic context (GRCh38, chr4:54,695,557, plus strand): 5'-TGTTTTTCTTGGCAGGCTCTTCTCAACCATCTGTGAGTCCAGGGGAACCGTCTCCACCAT[C>T]CATCCATCCAGGAAAATCAGACTTAATAGTCCGCGTGGGCGACGAGATTAGGCTGTTATG-3'
Protein context (NP_000213.1, residues 28-48): SVSPGEPSPP[Ser38Phe]IHPGKSDLIV

ClinVar aggregate classification (germline): Uncertain significance (1 of 4 stars; one submission).

Conditions:
Gastrointestinal stromal tumor. Also called: Gastrointestinal stroma tumor; Gastrointestinal stromal tumor, somatic. Identifiers: Orphanet 44890, MedGen C0238198, MeSH D046152, MONDO:0011719, OMIM 606764, HP:0100723.

Submission:

Labcorp Genetics (formerly Invitae), Labcorp
Classification: Uncertain significance for Gastrointestinal stromal tumor. Last evaluated: 2025-02-25. Review status: criteria provided, single submitter. Criteria: Invitae Variant Classification Sherloc (09022015). Collection method: clinical testing. Allele origin: germline.
Comment: This sequence change replaces serine, which is neutral and polar, with phenylalanine, which is neutral and non-polar, at codon 38 of the KIT protein (p.Ser38Phe). This variant is not present in population databases (gnomAD no frequency). This variant has not been reported in the literature in individuals affected with KIT-related conditions. ClinVar contains an entry for this variant (Variation ID: 2078458). An algorithm developed to predict the effect of missense changes on protein structure and function outputs the following: PolyPhen-2: "Benign". The phenylalanine amino acid residue is found in multiple mammalian species, which suggests that this missense change does not adversely affect protein function. In summary, the available evidence is currently insufficient to determine the role of this variant in disease. Therefore, it has been classified as a Variant of Uncertain Significance.